The following is an entry in ClinVar:

NM_198407.2(GHSR):c.647T>C (p.Val216Ala)

Gene: GHSR (growth hormone secretagogue receptor; minus strand). Cytogenetic location: 3q26.31.
Variant type: single nucleotide variant.
Coding change: c.647T>C on transcript NM_198407.2 (MANE Select); coding-DNA position 647, T replaced by C.
Protein change: p.Val216Ala; replaces valine 216 with alanine.
Molecular consequence: missense variant.
Genome position (GRCh38, 1-based): chr3:172,447,767, A>G on the plus strand (T>C on the coding strand, the complement: GHSR is on the minus strand). VCF-style: chr3-172447767-A-G. GRCh37 (hg19) VCF-style: chr3-172165557-A-G.
Other names: c.647T>C, p.Val216Ala (NM_004122.2); short protein forms V216A.
Identifiers: ClinVar variation 2381730 (VCV002381730.5), dbSNP rs200619653, ClinGen allele CA2706429.

ClinVar aggregate classification (germline): Uncertain significance. Review status: criteria provided, multiple submitters, no conflicts (2 of 4 stars). 3 submissions from 3 submitters: Uncertain significance (3). Last evaluated 2024-09-09.

Conditions:
Inborn genetic diseases. Identifiers: MedGen C0950123, MeSH D030342.

Allele frequency attached by ClinVar (database versions not stated): ExAC 0.00002; gnomAD exomes 0.00002; TOPMed 0.00003; gnomAD 0.00006; 1000 Genomes Project 30x 0.00016; 1000 Genomes Project 0.00020.

Submissions (3):

Blueprint Genetics
Classification: Uncertain significance. Last evaluated: 2024-09-09. Review status: criteria provided, single submitter. Criteria: ACMG Guidelines, 2015. Collection method: clinical testing. Allele origin: germline.

Labcorp Genetics (formerly Invitae), Labcorp
Classification: Uncertain significance. Last evaluated: 2024-07-24. Review status: criteria provided, single submitter. Criteria: Invitae Variant Classification Sherloc (09022015). Collection method: clinical testing. Allele origin: germline.
Comment: This sequence change replaces valine, which is neutral and non-polar, with alanine, which is neutral and non-polar, at codon 216 of the GHSR protein (p.Val216Ala). This variant is present in population databases (rs200619653, gnomAD 0.004%). This variant has not been reported in the literature in individuals affected with GHSR-related conditions. ClinVar contains an entry for this variant (Variation ID: 2381730). Advanced modeling of protein sequence and biophysical properties (such as structural, functional, and spatial information, amino acid conservation, physicochemical variation, residue mobility, and thermodynamic stability) performed at Invitae indicates that this missense variant is not expected to disrupt GHSR protein function with a negative predictive value of 80%. In summary, the available evidence is currently insufficient to determine the role of this variant in disease. Therefore, it has been classified as a Variant of Uncertain Significance.

Ambry Genetics
Classification: Uncertain significance for Inborn genetic diseases. Last evaluated: 2021-07-20. Review status: criteria provided, single submitter. Criteria: Ambry Variant Classification Scheme 2023. Collection method: clinical testing. Allele origin: germline.